The following is an entry in ClinVar:

ClinVar aggregate classification (germline): Uncertain significance (1 of 4 stars; one submission).

Allele frequency attached by ClinVar (database versions not stated): gnomAD exomes below 0.00001; gnomAD 0.00001.
gnomAD v4.1: 2 of 1,614,078 alleles (0.00012%); highest among the groups gnomAD compares: African/African-American, 0.0027%; no homozygotes.

Submission:

Labcorp Genetics (formerly Invitae), Labcorp
Classification: Uncertain significance. Last evaluated: 2023-08-10. Review status: criteria provided, single submitter. Criteria: Invitae Variant Classification Sherloc (09022015). Collection method: clinical testing. Allele origin: germline.
Comment: This sequence change replaces proline, which is neutral and non-polar, with leucine, which is neutral and non-polar, at codon 812 of the KIAA0556 protein (p.Pro812Leu). This variant is not present in population databases (gnomAD no frequency). This variant has not been reported in the literature in individuals affected with KIAA0556-related conditions. In summary, the available evidence is currently insufficient to determine the role of this variant in disease. Therefore, it has been classified as a Variant of Uncertain Significance. ClinVar contains an entry for this variant (Variation ID: 1916766). An algorithm developed to predict the effect of missense changes on protein structure and function (PolyPhen-2) suggests that this variant is likely to be tolerated.

NM_015202.5(KATNIP):c.2435C>T (p.Pro812Leu)

Gene: KATNIP (katanin interacting protein; plus strand). Cytogenetic location: 16p12.1.
Variant type: single nucleotide variant.
Coding change: c.2435C>T on transcript NM_015202.5 (MANE Select); coding-DNA position 2435, C replaced by T.
Protein change: p.Pro812Leu; replaces proline 812 with leucine.
Molecular consequence: missense variant.
Genome position (GRCh38, 1-based): chr16:27,740,732, C>T. VCF-style: chr16-27740732-C-T. GRCh37 (hg19) VCF-style: chr16-27752053-C-T.
Other names: short protein forms P812L.
Identifiers: ClinVar variation 1916766 (VCV001916766.5), dbSNP rs2081073069, ClinGen allele CA395322364.